The following is an entry in ClinVar:

NM_000478.6(ALPL):c.1189+5del

Gene: ALPL (alkaline phosphatase, biomineralization associated; plus strand). Cytogenetic location: 1p36.12.
Variant type: Deletion.
Coding change: c.1189+5del on transcript NM_000478.6 (MANE Select); 5 bases into the intron after coding-DNA position 1189, one base deleted (G; older notation c.1189+5delG).
Molecular consequence: intron variant.
Genome position (GRCh38, 1-based): chr1:21,575,929, G deleted; the last of 2 consecutive G bases (chr1:21,575,928-21,575,929); deleting either gives the same sequence. VCF-style (leftmost placement, unchanged base first): chr1-21575927-AG-A. GRCh37 (hg19) VCF-style: chr1-21902420-AG-A.
Other names: c.1189+5del (NM_001369805.2, NM_001369804.2, NM_001369803.2); c.1024+5del (NM_001127501.4); c.958+5del (NM_001177520.3).
Identifiers: ClinVar variation 1467776 (VCV001467776.11), dbSNP rs1208855163, ClinGen allele CA521899903.

ClinVar aggregate classification (germline): Conflicting classifications of pathogenicity. Review status: criteria provided, conflicting classifications (1 of 4 stars). 5 submissions from 5 submitters: Likely pathogenic (3); Uncertain significance (2). Last evaluated 2026-01-03.

Conditions:
Adult hypophosphatasia. Identifiers: Orphanet 247676, Orphanet 436, MedGen C0268413, MONDO:1010154, OMIM 146300, MONDO:0007798.
Childhood hypophosphatasia. Identifiers: Orphanet 247667, Orphanet 436, MedGen C0220743, MONDO:1010168, OMIM 241510, MONDO:0009428.
Infantile hypophosphatasia. Identifiers: Orphanet 247651, Orphanet 436, MedGen C0268412, MONDO:1010169, OMIM 241500, MONDO:0009427.
Hypophosphatasia. Also called: Phosphoethanol-aminuria. Identifiers: Orphanet 436, MedGen C0020630, MeSH D007014, MONDO:0018570.

Submissions (5):

Labcorp Genetics (formerly Invitae), Labcorp
Classification: Likely pathogenic. Last evaluated: 2026-01-03. Review status: criteria provided, single submitter. Criteria: Invitae Variant Classification Sherloc (09022015). Collection method: clinical testing. Allele origin: germline.
Comment: This sequence change falls in intron 10 of the ALPL gene. It does not directly change the encoded amino acid sequence of the ALPL protein. It affects a nucleotide within the consensus splice site. This variant is present in population databases (no rsID available, gnomAD 0.0009%). This variant has been observed in individual(s) with clinical features of hypophosphatasia (PMID: 25731960; internal data). ClinVar contains an entry for this variant (Variation ID: 1467776). Variants that disrupt the consensus splice site are a relatively common cause of aberrant splicing (PMID: 17576681, 9536098). Algorithms developed to predict the effect of sequence changes on RNA splicing suggest that this variant may disrupt the consensus splice site. In summary, the currently available evidence indicates that the variant is pathogenic, but additional data are needed to prove that conclusively. Therefore, this variant has been classified as Likely Pathogenic.

Genomenon, Inc
Classification: Uncertain significance for Hypophosphatasia. Last evaluated: 2025-08-29. Review status: criteria provided, single submitter. Criteria: Genomenon Sequence Variant Interpretation Standards. Collection method: curation. Allele origin: germline. Affected: yes.
Comment: ALPL c.1189+5del is splice variant located in donor splice region of intron 10. This variant has been observed in a proband affected with hypophosphatasia (PMID:25731960). It is absent or not present at a significant frequency in gnomAD. In conclusion, we classify ALPL c.1189+5del as a variant of unknown significance.

GeneDx
Classification: Uncertain significance. Last evaluated: 2024-05-01. Review status: criteria provided, single submitter. Criteria: GeneDx Variant Classification Process June 2021. Collection method: clinical testing. Allele origin: germline. Affected: yes.
Comment: Reported along with a second variant in the ALPL gene in a patient with mild childhood hypophosphatasia in the published literature; however, segregation information was not provided (PMID: 25731960); Intronic +5 splice site variant in a gene for which loss of function is a known mechanism of disease, and both splice predictors and evolutionary conservation support a deleterious effect, although in the absence of functional evidence the actual effect of this sequence change is unknown.; Not observed at significant frequency in large population cohorts (gnomAD); This variant is associated with the following publications: (PMID: 25731960)

Fulgent Genetics
Classification: Likely pathogenic for Adult hypophosphatasia; Infantile hypophosphatasia; Childhood hypophosphatasia. Last evaluated: 2024-04-30. Review status: criteria provided, single submitter. Criteria: ACMG Guidelines, 2015. Collection method: clinical testing. Allele origin: germline.

Baylor Genetics
Classification: Likely pathogenic for Adult hypophosphatasia. Last evaluated: 2024-02-17. Review status: criteria provided, single submitter. Criteria: ACMG Guidelines, 2015. Collection method: clinical testing. Allele origin: unknown.

Literature cited by the submitters: PubMed 25731960 (cited by Labcorp Genetics (formerly Invitae), Labcorp and Genomenon, Inc); PubMed 17576681 (cited by Labcorp Genetics (formerly Invitae), Labcorp); PubMed 9536098 (cited by Labcorp Genetics (formerly Invitae), Labcorp).